The following is an entry in ClinVar:

NM_001375808.2(LPIN2):c.126C>T (p.Ser42=)

Gene: LPIN2 (lipin 2; minus strand). Cytogenetic location: 18p11.31.
Variant type: single nucleotide variant.
Coding change: c.126C>T on transcript NM_001375808.2 (MANE Select); coding-DNA position 126, C replaced by T.
Protein change: p.Ser42=; no amino-acid change (serine 42 retained).
Molecular consequence: synonymous variant.
Genome position (GRCh38, 1-based): chr18:2,960,715, G>A on the plus strand (C>T on the coding strand, the complement: LPIN2 is on the minus strand). VCF-style: chr18-2960715-G-A. GRCh37 (hg19) VCF-style: chr18-2960713-G-A.
Other names: c.126C>T, p.Ser42= (NM_001375809.1, NM_014646.2).
Identifiers: ClinVar variation 1529760 (VCV001529760.10), dbSNP rs2143202348, ClinGen allele CA502690319.

ClinVar aggregate classification (germline): Likely benign. Review status: criteria provided, single submitter (1 of 4 stars). 2 submissions from 2 submitters: Likely benign (1). 1 of the submissions does not count toward it. Last evaluated 2021-02-03.

Conditions:
LPIN2-related disorder. Also called: LPIN2-related condition.
Majeed syndrome (MJDS). Also called: LPIN2-Related Majeed Syndrome; CHRONIC RECURRENT MULTIFOCAL OSTEOMYELITIS 1, WITH CONGENITAL DYSERYTHROPOIETIC ANEMIA, WITH OR WITHOUT NEUTROPHILIC DERMATOSIS. Identifiers: Orphanet 77297, MedGen C1864997, MONDO:0012316, OMIM 609628.

Submissions (2):

Labcorp Genetics (formerly Invitae), Labcorp
Classification: Likely benign for Majeed syndrome. Last evaluated: 2021-02-03. Review status: criteria provided, single submitter. Criteria: Invitae Variant Classification Sherloc (09022015). Collection method: clinical testing. Allele origin: germline.

PreventionGenetics, part of Exact Sciences
Classification: Likely benign for LPIN2-related condition. Last evaluated: 2023-10-09. Review status: no assertion criteria provided. Collection method: clinical testing. Allele origin: germline. Not counted in ClinVar's aggregate classification.
Comment: This variant is classified as likely benign based on ACMG/AMP sequence variant interpretation guidelines (Richards et al. 2015 PMID: 25741868, with internal and published modifications).